The following is an entry in ClinVar:

ClinVar aggregate classification (germline): Uncertain significance (1 of 4 stars; one submission).

Allele frequency attached by ClinVar (database versions not stated): gnomAD exomes 0.00001 and 0.00002; ExAC 0.00003.

Submission:

Labcorp Genetics (formerly Invitae), Labcorp
Classification: Uncertain significance. Last evaluated: 2021-08-24. Review status: criteria provided, single submitter. Criteria: Invitae Variant Classification Sherloc (09022015). Collection method: clinical testing. Allele origin: germline.
Comment: This sequence change replaces arginine with cysteine at codon 721 of the SBF1 protein (p.Arg721Cys). The arginine residue is moderately conserved and there is a large physicochemical difference between arginine and cysteine. In summary, the available evidence is currently insufficient to determine the role of this variant in disease. Therefore, it has been classified as a Variant of Uncertain Significance. Algorithms developed to predict the effect of missense changes on protein structure and function are either unavailable or do not agree on the potential impact of this missense change (SIFT: "Deleterious"; PolyPhen-2: "Possibly Damaging"; Align-GVGD: "Class C0"). This variant has not been reported in the literature in individuals affected with SBF1-related conditions. This variant is present in population databases (rs773744488, ExAC 0.01%).

NM_002972.4(SBF1):c.2161C>T (p.Arg721Cys)

Gene: SBF1 (SET binding factor 1; minus strand). Cytogenetic location: 22q13.33.
Variant type: single nucleotide variant.
Coding change: c.2161C>T on transcript NM_002972.4 (MANE Select); coding-DNA position 2161, C replaced by T.
Protein change: p.Arg721Cys; replaces arginine 721 with cysteine.
Molecular consequence: missense variant.
Genome position (GRCh38, 1-based): chr22:50,462,440, G>A on the plus strand (C>T on the coding strand, the complement: SBF1 is on the minus strand). VCF-style: chr22-50462440-G-A. GRCh37 (hg19) VCF-style: chr22-50900869-G-A.
Other names: c.2164C>T, p.Arg722Cys (NM_001365819.1); short protein forms R721C, R722C.
Identifiers: ClinVar variation 1487809 (VCV001487809.6), dbSNP rs773744488, ClinGen allele CA10317312.